The following is an entry in ClinVar:

NM_013432.5(TONSL):c.3967GGCCTG[3] (p.Leu1326_Trp1327insGlyLeu)

Gene: TONSL (tonsoku like, DNA repair protein; minus strand). Cytogenetic location: 8q24.3.
Variant type: Microsatellite.
Coding change: c.3967GGCCTG[3] on transcript NM_013432.5 (MANE Select); three copies in a row of the 6-base unit GGCCTG starting at c.3967; the reference has two copies in a row; one copy, 6 bases duplicated.
Protein change: p.Leu1326_Trp1327insGlyLeu.
Molecular consequence: inframe insertion.
Genome position (GRCh38, 1-based): chr8:144,429,302-144,429,307, CAGGCC duplicated on the plus strand (GGCCTG on the coding strand, the reverse complement: TONSL is on the minus strand); duplicating any 6 consecutive bases within chr8:144,429,302-144,429,317 gives the same sequence; the position shown is the placement nearest the transcript's 3' end. VCF-style (leftmost placement, unchanged base first): chr8-144429301-A-ACAGGCC. GRCh37 (hg19) VCF-style: chr8-145654684-A-ACAGGCC.
Identifiers: ClinVar variation 1985139 (VCV001985139.2), dbSNP rs1564724396, ClinGen allele CA586164321.

ClinVar aggregate classification (germline): Uncertain significance (1 of 4 stars; one submission).

Submission:

Labcorp Genetics (formerly Invitae), Labcorp
Classification: Uncertain significance. Last evaluated: 2023-12-11. Review status: criteria provided, single submitter. Criteria: Invitae Variant Classification Sherloc (09022015). Collection method: clinical testing. Allele origin: germline.
Comment: This variant, c.3973_3978dup, results in the insertion of 2 amino acid(s) of the TONSL protein (p.Gly1325_Leu1326dup), but otherwise preserves the integrity of the reading frame. This variant is present in population databases (no rsID available, gnomAD 0.005%). This variant has not been reported in the literature in individuals affected with TONSL-related conditions. Experimental studies and prediction algorithms are not available or were not evaluated, and the functional significance of this variant is currently unknown. In summary, the available evidence is currently insufficient to determine the role of this variant in disease. Therefore, it has been classified as a Variant of Uncertain Significance.